The following is an entry in ClinVar:

NM_014336.5(AIPL1):c.784G>A (p.Gly262Ser)

Gene: AIPL1 (AIP like 1 HSP90 co-chaperone; minus strand). Cytogenetic location: 17p13.2.
Variant type: single nucleotide variant.
Coding change: c.784G>A on transcript NM_014336.5 (MANE Select); coding-DNA position 784, G replaced by A.
Protein change: p.Gly262Ser; replaces glycine 262 with serine.
Molecular consequence: missense variant.
Genome position (GRCh38, 1-based): chr17:6,426,615, C>T on the plus strand (G>A on the coding strand, the complement: AIPL1 is on the minus strand). VCF-style: chr17-6426615-C-T. GRCh37 (hg19) VCF-style: chr17-6329935-C-T.
Other names: NM_014336.5(AIPL1):c.784G>A; p.Gly262Ser; c.595G>A, p.Gly199Ser (NM_001033054.3); c.604G>A, p.Gly202Ser (NM_001033055.3); c.748G>A, p.Gly250Ser (NM_001285399.3); c.718G>A, p.Gly240Ser (NM_001285400.3); c.712G>A, p.Gly238Ser (NM_001285401.3); c.667G>A, p.Gly223Ser (NM_001285402.2); and 1 more; short protein forms G262S, G238S, G254S, G240S, G199S, G223S, G250S, G202S.
Identifiers: ClinVar variation 65711 (VCV000065711.16), dbSNP rs142326926, ClinGen allele CA227897.

ClinVar aggregate classification (germline): Pathogenic. Review status: reviewed by expert panel (3 of 4 stars). 7 submissions from 7 submitters: Pathogenic (1). 6 of the submissions do not count toward it. Last evaluated 2025-09-29.

Conditions:
AIPL1-related retinopathy. Also called: AIPL1 retinopathy. Identifiers: MedGen CN305590, MONDO:0100438.
AIPL1-related disorder. Also called: AIPL1-related condition; AIPL1-related disorders. Identifiers: MedGen CN239169.
Leber congenital amaurosis 4 (LCA4). Identifiers: MedGen C1858386, MONDO:0011458, OMIM 604393.
CONE-ROD DYSTROPHY, AIPL1-RELATED. Identifiers: MedGen C2751764, OMIM 604393.
Juvenile retinitis pigmentosa, AIPL1-related. Also called: AIPL1-Related Retinitis Pigmentosa. Identifiers: MedGen C2751763.

Allele frequency attached by ClinVar (database versions not stated): gnomAD exomes 0.00003 and 0.00007; TOPMed 0.00003; ExAC 0.00004; gnomAD 0.00005; ESP Exome Variant Server 0.00008.
gnomAD v4.1: 116 of 1,613,738 alleles (0.0072%); highest among the groups gnomAD compares: Non-Finnish European, 0.0093%; no homozygotes.

Submissions (7):

ClinGen Leber Congenital Amaurosis/early Onset Retinal Dystrophy Variant Curation Expert Panel, ClinGen
Classification: Pathogenic for AIPL1-related retinopathy. Last evaluated: 2025-09-29. Review status: reviewed by expert panel. Criteria: ClinGen LCAeoRD ACMG Specifications AIPL1 V1.0.0. Collection method: curation. Allele origin: germline. Inheritance: Autosomal recessive inheritance.
Comment: NM_014336.5(AIPL1):c.784G>A (p.Gly262Ser) is an apparent missense variant predicted to result in replacement of glycine with serine at codon 262 but which is also located in the final nucleotide of exon 5 of 6. The splicing impact predictor SpliceAI gives a score of 0.72 for donor gain, which is above the ClinGen LCA/eoRD VCEP recommended threshold of ≥0.2 and predicts a damaging impact on splicing. A minigene assay indicates that the variant abolishes the production of normal length splice products and instead results in cryptic splice usage and either complete skipping of exon 5 or skipping of the last 40 bp of exon 5. These computational and experimental data have not been used to meet PP3 and PS3_Supporting but rather combined to indicate a null impact on AIPL1 (PVS1(RNA)). A number of publications studying this variant as an exogenously expressed missense change p.Gly262Ser have shown functional activity comparable to the wild-type control (PMID: 15347646 , PMID: 18408180, PMID: 27268253), however BS3_Supporting has not been applied as the variant appears to impact AIPL1 functionally through a splicing defect rather than a missense mechanism. This variant is present in gnomAD v.4.1.0 at a total allele frequency of 0.00007188, with 116 alleles / 1,613,738 total alleles, which is lower than the ClinGen LCA/eoRD VCEP PM2_Supporting threshold of <0.0004 (PM2_Supporting). This variant has been reported in at least 1 proband with early-onset severe retinal dystrophy who was compound heterozygous with the NM_014336.5(AIPL1):c.834G>A (p.Trp278Ter) variant suspected but not confirmed in trans (0.5 points, PMID: 10873396), which was previously classified pathogenic by the ClinGen LCA/eoRD VCEP (PM3_Supporting). At least one proband harboring this variant exhibits a phenotype including a diagnosis of Leber congenital amaurosis (0.5 pts) with visual acuity limited to hand movements (1 pt), mild maculopathy (0.5 pts), mild optic nerve pallor (0.5 pts), moderate-to-severe pigmentary retinopathy (1 pt), and photoattraction (1 pt), which together are specific for AIPL1-related retinopathy (total 4.5 points, PMID: 15249368, PP4). In summary, this variant meets the criteria to be classified as Pathogenic for AIPL1-related retinopathy based on the ACMG/AMP criteria applied, as specified by the ClinGen LCA/eoRD VCEP: PVS1(RNA), PM2_Supporting, PM3_Supporting, and PP4. (VCEP specifications version 1.0.0; date of approval 09/24/2025),

Labcorp Genetics (formerly Invitae), Labcorp
Classification: Pathogenic for Leber congenital amaurosis 4. Last evaluated: 2025-08-10. Review status: criteria provided, single submitter. Criteria: Invitae Variant Classification Sherloc (09022015). Collection method: clinical testing. Allele origin: germline. Not counted in ClinVar's aggregate classification.
Comment: This sequence change replaces glycine, which is neutral and non-polar, with serine, which is neutral and polar, at codon 262 of the AIPL1 protein (p.Gly262Ser). RNA analysis indicates that this missense change induces altered splicing and likely disrupts the C-terminus of the protein. This variant is present in population databases (rs142326926, gnomAD 0.006%). This missense change has been observed in individuals with Leber congenital amaurosis (PMID: 10873396, 15249368, 20702822). ClinVar contains an entry for this variant (Variation ID: 65711). Invitae Evidence Modeling of protein sequence and biophysical properties (such as structural, functional, and spatial information, amino acid conservation, physicochemical variation, residue mobility, and thermodynamic stability) has been performed for this missense variant. However, the output from this modeling did not meet the statistical confidence thresholds required to predict the impact of this variant on AIPL1 protein function. Experimental studies are conflicting or provide insufficient evidence to determine the effect of this variant on AIPL1 function (PMID: 15347646, 22347407, 25799540, 27268253, 28973376). Variants that disrupt the consensus splice site are a relatively common cause of aberrant splicing (PMID: 17576681, 9536098). Studies have shown that this missense change results in partial skipping of exon 5 and introduces a new termination codon (PMID: 26650897). However the mRNA is not expected to undergo nonsense-mediated decay. For these reasons, this variant has been classified as Pathogenic.

GeneDx
Classification: Likely pathogenic. Last evaluated: 2025-06-11. Review status: criteria provided, single submitter. Criteria: GeneDx Variant Classification Process June 2021. Collection method: clinical testing. Allele origin: germline. Affected: yes. Not counted in ClinVar's aggregate classification.
Comment: Published functional studies demonstrate abnormal gene splicing (PMID: 26650897); In silico analysis supports that this missense variant has a deleterious effect on splicing; In silico analysis indicates that this missense variant does not alter protein structure/function; This variant is associated with the following publications: (PMID: 15469903, 15180275, 22412862, 15347646, 22347407, 20301475, 15081406, 24596939, 25799540, 12374762, 16052170, 20702822, 10873396, 26650897, 35456422, 31964843, 38219857)

Blueprint Genetics
Classification: Pathogenic for AIPL1-related disorders. Last evaluated: 2024-01-02. Review status: criteria provided, single submitter. Criteria: ACMG Guidelines, 2015. Collection method: clinical testing. Allele origin: germline. Affected: yes. Observed: 5 variant alleles. Not counted in ClinVar's aggregate classification.

PreventionGenetics, part of Exact Sciences
Classification: Pathogenic for AIPL1-related condition. Last evaluated: 2024-08-29. Review status: no assertion criteria provided. Collection method: clinical testing. Allele origin: germline. Not counted in ClinVar's aggregate classification.
Comment: The AIPL1 c.784G>A variant is predicted to result in the amino acid substitution p.Gly262Ser. This variant has been reported in the compound heterozygous state in individuals with autosomal recessive Leber congenital amaurosis (Sohocki et al. 2000. PubMed ID: 10873396; Table S1, Zhu et al. 2022. PubMed ID: 35456422; Table S1, Lin et al. 2024. PubMed ID: 38219857). This variant affects the last nucleotide of exon 5 and a functional study using a minigene assay has shown that this variant alters splicing (Bellingham et al. 2015. PubMed ID: 26650897). This variant is reported in 0.0062% of alleles in individuals of European (Non-Finnish) descent in gnomAD. This variant is interpreted as pathogenic.

GeneReviews
No classification provided. Condition: Leber congenital amaurosis 4. Review status: no classification provided. Collection method: literature only. Allele origin: unknown. Not counted in ClinVar's aggregate classification.

Retina International
No classification provided. Review status: no classification provided. Collection method: not provided. Allele origin: not provided. Not counted in ClinVar's aggregate classification.

Literature cited by the submitters: PubMed 10873396 (cited by Labcorp Genetics (formerly Invitae), Labcorp); PubMed 15249368 (cited by Labcorp Genetics (formerly Invitae), Labcorp); PubMed 20702822 (cited by Labcorp Genetics (formerly Invitae), Labcorp); PubMed 15347646 (cited by Labcorp Genetics (formerly Invitae), Labcorp); PubMed 22347407 (cited by Labcorp Genetics (formerly Invitae), Labcorp); PubMed 25799540 (cited by Labcorp Genetics (formerly Invitae), Labcorp); PubMed 27268253 (cited by Labcorp Genetics (formerly Invitae), Labcorp); PubMed 28973376 (cited by Labcorp Genetics (formerly Invitae), Labcorp); PubMed 17576681 (cited by Labcorp Genetics (formerly Invitae), Labcorp); PubMed 9536098 (cited by Labcorp Genetics (formerly Invitae), Labcorp); PubMed 26650897 (cited by Labcorp Genetics (formerly Invitae), Labcorp); PubMed 20301475 (cited by GeneReviews); NCBI Bookshelf NBK1298 (cited by GeneReviews).